The following is an entry in ClinVar:

NM_004360.5(CDH1):c.361del (p.His121fs)

Gene: CDH1 (cadherin 1; plus strand). Cytogenetic location: 16q22.1.
Variant type: Deletion.
Coding change: c.361del on transcript NM_004360.5 (MANE Select); coding-DNA position 361, one base deleted (C; older notation c.361delC).
Protein change: p.His121fs; shifts the reading frame from histidine 121.
Molecular consequence: frameshift variant. On other transcripts: 5 prime UTR variant (2).
Genome position (GRCh38, 1-based): chr16:68,801,867, C deleted. VCF-style (leftmost placement, unchanged base first): chr16-68801866-GC-G. GRCh37 (hg19) VCF-style: chr16-68835769-GC-G.
Other names: c.361del, p.His121fs (NM_001317184.2); c.-1255del (NM_001317185.2); c.-1459del (NM_001317186.2); short protein forms H121fs.
Identifiers: ClinVar variation 4886500 (VCV004886500.2).

ClinVar aggregate classification (germline): Likely pathogenic (1 of 4 stars; one submission).

Submission:

Dasa
Classification: Likely pathogenic. Last evaluated: 2026-01-22. Review status: criteria provided, single submitter. Criteria: DASA Assertion Criteria. Collection method: clinical testing. Allele origin: germline.
Comment: NM_004360.5(CDH1):c.361del (p.His121Thrfs*94) is a frameshift variant in CDH1 predicted to alter the reading frame and introduce a premature termination codon and is predicted to result in an absent or altered protein product. Loss of function is an established disease mechanism for CDH1 (PMID: 26182300; PMID: 24037103; PMID: 19168852). Also, this variant is rare in population databases. Based on the currently available evidence, this variant is classified as likely pathogenic.

Literature cited by the submitters: PubMed 26182300; PubMed 24037103; PubMed 19168852.